The following is an entry in ClinVar:

ClinVar aggregate classification (germline): Likely pathogenic (1 of 4 stars; one submission).

Conditions:
Nemaline myopathy 2 (NEM2). Also called: Nemaline myopathy 2, autosomal recessive. Identifiers: MedGen C1850569, MONDO:0009725, OMIM 256030.

Submission:

Myriad Genetics, Inc.
Classification: Likely pathogenic for Nemaline myopathy 2. Last evaluated: 2021-12-16. Review status: criteria provided, single submitter. Criteria: Myriad Women's Health Autosomal Recessive and X-Linked Classification Criteria (2021). Collection method: clinical testing. Allele origin: unknown.
Comment: NM_001271208.1(NEB):c.6615_6624del10(Q2206Afs*8) is expected to be pathogenic in the context of NEB-related nemaline myopathy. This variant is predicted to lead to an abnormal or absent protein product due to the creation of a premature termination codon in NEB, a gene where loss-of-function variants are known to be pathogenic. Please note: this variant was assessed in the context of healthy population screening.

NM_001164508.2(NEB):c.6615_6624del (p.Gln2206fs)

Gene: NEB (nebulin; minus strand). Cytogenetic location: 2q23.3.
Variant type: Deletion.
Coding change: c.6615_6624del on transcript NM_001164508.2 (MANE Select); coding-DNA positions 6615 to 6624, 10 bases deleted (CCAGCACCCG; older notation c.6615_6624delCCAGCACCCG).
Protein change: p.Gln2206fs; shifts the reading frame from glutamine 2206.
Molecular consequence: frameshift variant.
Genome position (GRCh38, 1-based): chr2:151,655,895-151,655,904, CGGGTGCTGG deleted on the plus strand (CCAGCACCCG on the coding strand, the reverse complement: NEB is on the minus strand); deleting any 10 consecutive bases within chr2:151,655,895-151,655,907 gives the same sequence; the c. name uses the placement nearest the transcript's 3' end. VCF-style (leftmost placement, unchanged base first): chr2-151655894-TCGGGTGCTGG-T. GRCh37 (hg19) VCF-style: chr2-152512408-TCGGGTGCTGG-T.
Other names: c.6615_6624del, p.Gln2206fs (NM_001164507.2, NM_001271208.2, NM_004543.5); short protein forms Q2206fs.
Identifiers: ClinVar variation 1726310 (VCV001726310.2), dbSNP rs2552252639, ClinGen allele CA2580063981.